The following is an entry in ClinVar:

NM_022436.3(ABCG5):c.547C>T (p.Arg183Ter)

Genes: ABCG5 (ATP binding cassette subfamily G member 5; minus strand), DYNC2LI1 (dynein cytoplasmic 2 light intermediate chain 1; plus strand). Cytogenetic location: 2p21.
Variant type: single nucleotide variant.
Coding change: c.547C>T on transcript NM_022436.3 (MANE Select); coding-DNA position 547, C replaced by T.
Protein change: p.Arg183Ter; replaces arginine 183 with a stop codon.
Molecular consequence: nonsense. On other transcripts: 3 prime UTR variant (2).
Genome position (GRCh38, 1-based): chr2:43,828,070, G>A on the plus strand (C>T on the coding strand, the complement: ABCG5 is on the minus strand). VCF-style: chr2-43828070-G-A. GRCh37 (hg19) VCF-style: chr2-44055209-G-A.
Other names: c.*700G>A (NM_001348912.2, NM_001348913.2); short protein forms R183*.
Identifiers: ClinVar variation 2426862 (VCV002426862.46), dbSNP rs145300824, ClinGen allele CA1636616.

ClinVar aggregate classification (germline): Pathogenic/Likely pathogenic. Review status: criteria provided, multiple submitters, no conflicts (2 of 4 stars). 5 submissions from 5 submitters: Pathogenic (3); Likely pathogenic (2). Last evaluated 2026-06-11.

Conditions:
Sitosterolemia 2. Identifiers: MedGen C5231453, MONDO:0020748, OMIM 618666.
ABCG5-related disorder. Also called: ABCG5-related condition.
Sitosterolemia (STSL). Also called: PHYTOSTEROLEMIA. Identifiers: Orphanet 2882, MedGen C0342907, MONDO:0008863.
Cardiovascular phenotype. Identifiers: MedGen CN230736.

Allele frequency attached by ClinVar (database versions not stated): TOPMed 0.00001; gnomAD exomes 0.00002; ExAC 0.00002; ESP Exome Variant Server 0.00008.
gnomAD v4.1: 29 of 1,614,048 alleles (0.0018%); highest among the groups gnomAD compares: East Asian, 0.0022%; no homozygotes.

Submissions (5):

PreventionGenetics, part of Exact Sciences
Classification: Likely pathogenic for ABCG5-related condition. Last evaluated: 2026-06-11. Review status: criteria provided, single submitter. Criteria: ACMG Guidelines, 2015. Collection method: clinical testing. Allele origin: germline.
Comment: The ABCG5 c.547C>T variant is predicted to result in premature protein termination (p.Arg183*). To our knowledge, this variant has not been reported in the literature. This variant is reported in 0.0062% of alleles in individuals of African descent in gnomAD. Nonsense variants in ABCG5 are expected to be pathogenic. This variant is interpreted as likely pathogenic.

Revvity Omics, Revvity
Classification: Likely pathogenic for Sitosterolemia 2. Last evaluated: 2024-12-17. Review status: criteria provided, single submitter. Criteria: ACMG Guidelines, 2015. Collection method: clinical testing. Allele origin: germline.

Department of Pathology and Laboratory Medicine, Sinai Health System
Classification: Pathogenic for sitosterolemia. Last evaluated: 2023-05-26. Review status: criteria provided, single submitter. Criteria: ACMG Guidelines, 2015. Collection method: research. Allele origin: germline.

Labcorp Genetics (formerly Invitae), Labcorp
Classification: Pathogenic for Sitosterolemia. Last evaluated: 2023-04-29. Review status: criteria provided, single submitter. Criteria: Invitae Variant Classification Sherloc (09022015). Collection method: clinical testing. Allele origin: germline.
Comment: This sequence change creates a premature translational stop signal (p.Arg183*) in the ABCG5 gene. It is expected to result in an absent or disrupted protein product. Loss-of-function variants in ABCG5 are known to be pathogenic (PMID: 11138003, 25665839). This variant is present in population databases (rs145300824, gnomAD 0.007%). This variant has not been reported in the literature in individuals affected with ABCG5-related conditions. ClinVar contains an entry for this variant (Variation ID: 2426862). For these reasons, this variant has been classified as Pathogenic.

Ambry Genetics
Classification: Pathogenic for Cardiovascular phenotype. Last evaluated: 2022-11-18. Review status: criteria provided, single submitter. Criteria: Ambry Variant Classification Scheme 2023. Collection method: clinical testing. Allele origin: germline.
Comment: The p.R183* pathogenic mutation (also known as c.547C>T), located in coding exon 5 of the ABCG5 gene, results from a C to T substitution at nucleotide position 547. This changes the amino acid from an arginine to a stop codon within coding exon 5. This variant is considered to be rare based on population cohorts in the Genome Aggregation Database (gnomAD). This alteration is expected to result in loss of function by premature protein truncation or nonsense-mediated mRNA decay. As such, this alteration is interpreted as a disease-causing mutation.

Literature cited by the submitters: PubMed 11138003 (cited by Labcorp Genetics (formerly Invitae), Labcorp); PubMed 25665839 (cited by Labcorp Genetics (formerly Invitae), Labcorp).